The following is an entry in ClinVar:

ClinVar aggregate classification (germline): Uncertain significance (1 of 4 stars; one submission).

gnomAD v4.1: 1 of 1,613,832 alleles (0.000062%); no homozygotes.

Submission:

Labcorp Genetics (formerly Invitae), Labcorp
Classification: Uncertain significance. Last evaluated: 2023-07-04. Review status: criteria provided, single submitter. Criteria: Invitae Variant Classification Sherloc (09022015). Collection method: clinical testing. Allele origin: germline.
Comment: In summary, the available evidence is currently insufficient to determine the role of this variant in disease. Therefore, it has been classified as a Variant of Uncertain Significance. Variants that disrupt the consensus splice site are a relatively common cause of aberrant splicing (PMID: 17576681, 9536098). Algorithms developed to predict the effect of sequence changes on RNA splicing suggest that this variant is not likely to affect RNA splicing. This variant has not been reported in the literature in individuals affected with BLVRA-related conditions. This variant is not present in population databases (gnomAD no frequency). This sequence change falls in intron 7 of the BLVRA gene. It does not directly change the encoded amino acid sequence of the BLVRA protein. It affects a nucleotide within the consensus splice site.

Literature cited by the submitters: PubMed 17576681; PubMed 9536098.

NM_000712.4(BLVRA):c.632+3A>G

Gene: BLVRA (biliverdin reductase A; plus strand). Cytogenetic location: 7p13.
Variant type: single nucleotide variant.
Coding change: c.632+3A>G on transcript NM_000712.4 (MANE Select); 3 bases into the intron after coding-DNA position 632, A replaced by G.
Molecular consequence: intron variant.
Genome position (GRCh38, 1-based): chr7:43,803,850, A>G. VCF-style: chr7-43803850-A-G. GRCh37 (hg19) VCF-style: chr7-43843449-A-G.
Other names: c.632+3A>G (NM_001253823.2).
Identifiers: ClinVar variation 2734997 (VCV002734997.3), dbSNP rs2543255522, ClinGen allele CA2682552486.